The following is an entry in ClinVar:

NM_006757.4(TNNT3):c.253G>A (p.Glu85Lys)

Gene: TNNT3 (troponin T3, fast skeletal type; plus strand). Cytogenetic location: 11p15.5.
Variant type: single nucleotide variant.
Coding change: c.253G>A on transcript NM_006757.4 (MANE Select); coding-DNA position 253, G replaced by A.
Protein change: p.Glu85Lys; replaces glutamic acid 85 with lysine.
Molecular consequence: missense variant.
Genome position (GRCh38, 1-based): chr11:1,933,802, G>A. VCF-style: chr11-1933802-G-A. GRCh37 (hg19) VCF-style: chr11-1955032-G-A.
Other names: c.229G>A, p.Glu77Lys (NM_001042780.3, NM_001042782.3, NM_001297646.2 and 2 more transcripts); c.247G>A, p.Glu83Lys (NM_001042781.3, NM_001367842.1, NM_001367843.1); c.262G>A, p.Glu88Lys (NM_001363561.2, NM_001367847.1); c.286G>A, p.Glu96Lys (NM_001367846.1); c.250G>A, p.Glu84Lys (NM_001367848.1); c.241G>A, p.Glu81Lys (NM_001367849.1); c.196G>A, p.Glu66Lys (NM_001367850.1); c.49G>A, p.Glu17Lys (NM_001367851.1, NM_001367852.1); short protein forms E84K, E85K, E96K, E17K, E66K, E77K, E83K, E88K.
Identifiers: ClinVar variation 2126762 (VCV002126762.4), dbSNP rs867571200, ClinGen allele CA216209542.

ClinVar aggregate classification (germline): Uncertain significance (1 of 4 stars; one submission).

Submission:

Labcorp Genetics (formerly Invitae), Labcorp
Classification: Uncertain significance. Last evaluated: 2022-11-22. Review status: criteria provided, single submitter. Criteria: Invitae Variant Classification Sherloc (09022015). Collection method: clinical testing. Allele origin: germline.
Comment: In summary, the available evidence is currently insufficient to determine the role of this variant in disease. Therefore, it has been classified as a Variant of Uncertain Significance. Algorithms developed to predict the effect of missense changes on protein structure and function are either unavailable or do not agree on the potential impact of this missense change (SIFT: "Deleterious"; PolyPhen-2: "Probably Damaging"; Align-GVGD: "Class C0"). This variant has not been reported in the literature in individuals affected with TNNT3-related conditions. This variant is not present in population databases (gnomAD no frequency). This sequence change replaces glutamic acid, which is acidic and polar, with lysine, which is basic and polar, at codon 85 of the TNNT3 protein (p.Glu85Lys).